The following is an entry in ClinVar:

ClinVar aggregate classification (germline): Uncertain significance. Review status: criteria provided, multiple submitters, no conflicts (2 of 4 stars). 2 submissions from 2 submitters: Uncertain significance (2). Last evaluated 2024-05-01.

Conditions:
Atrioventricular septal defect 4 (AVSD4). Identifiers: MedGen C3280781, MONDO:0013747, OMIM 614430.

Submissions (2):

GeneDx
Classification: Uncertain significance. Last evaluated: 2024-05-01. Review status: criteria provided, single submitter. Criteria: GeneDx Variant Classification Process June 2021. Collection method: clinical testing. Allele origin: germline. Affected: yes.
Comment: Has not been previously published as pathogenic or benign to our knowledge; Not observed at significant frequency in large population cohorts (gnomAD); In silico analysis indicates that this missense variant does not alter protein structure/function

Labcorp Genetics (formerly Invitae), Labcorp
Classification: Uncertain significance for Atrioventricular septal defect 4. Last evaluated: 2024-01-17. Review status: criteria provided, single submitter. Criteria: Invitae Variant Classification Sherloc (09022015). Collection method: clinical testing. Allele origin: germline.
Comment: This sequence change replaces arginine, which is basic and polar, with serine, which is neutral and polar, at codon 151 of the GATA4 protein (p.Arg151Ser). This variant is not present in population databases (gnomAD no frequency). This variant has not been reported in the literature in individuals affected with GATA4-related conditions. Advanced modeling of protein sequence and biophysical properties (such as structural, functional, and spatial information, amino acid conservation, physicochemical variation, residue mobility, and thermodynamic stability) performed at Invitae indicates that this missense variant is not expected to disrupt GATA4 protein function with a negative predictive value of 80%. In summary, the available evidence is currently insufficient to determine the role of this variant in disease. Therefore, it has been classified as a Variant of Uncertain Significance.

NM_001308093.3(GATA4):c.451C>A (p.Arg151Ser)

Gene: GATA4 (GATA binding protein 4). Cytogenetic location: 8p23.1.
Variant type: single nucleotide variant.
Coding change: c.451C>A on transcript NM_001308093.3 (MANE Select); coding-DNA position 451, C replaced by A.
Protein change: p.Arg151Ser; replaces arginine 151 with serine.
Molecular consequence: missense variant. On other transcripts: intron variant (3).
Genome position (GRCh38, 1-based): chr8:11,708,763, C>A. VCF-style: chr8-11708763-C-A. GRCh37 (hg19) VCF-style: chr8-11566272-C-A.
Other names: c.451C>A (NM_002052.3); c.451C>A, p.Arg151Ser (NM_002052.5); c.-6+7985C>A (NM_001308094.2); c.-3+749C>A (NM_001374274.1); c.-3+4459C>A (NM_001374273.1); short protein forms R151S.
Identifiers: ClinVar variation 2899161 (VCV002899161.4), dbSNP rs2486781481, ClinGen allele CA370309648.